The following is an entry in ClinVar:

NM_006059.4(LAMC3):c.1698C>T (p.Pro566=)

Genes: LAMC3 (laminin subunit gamma 3; plus strand), LOC126860777 (BRD4-independent group 4 enhancer GRCh37_chr9:133927058-133928257; plus strand). Cytogenetic location: 9q34.12.
Variant type: single nucleotide variant.
Coding change: c.1698C>T on transcript NM_006059.4 (MANE Select); coding-DNA position 1698, C replaced by T.
Protein change: p.Pro566=; no amino-acid change (proline 566 retained).
Molecular consequence: synonymous variant.
Genome position (GRCh38, 1-based): chr9:131,052,558, C>T. VCF-style: chr9-131052558-C-T. GRCh37 (hg19) VCF-style: chr9-133927945-C-T.
Identifiers: ClinVar variation 1609469 (VCV001609469.30), dbSNP rs369683961, ClinGen allele CA5287176.
Genomic context (GRCh38, chr9:131,052,558, plus strand): 5'-CCTGGGAGACCAGCGGTTCAGCTATGGGCAGCCCCTCATACTGACCTTCCGGGTGCCCCC[C>T]GGGGACTCCCCACTCCCTGTACAGCTGAGGCTGGAAGGGACAGGCTTGGCCCTGTCCCTG-3'
Protein context (NP_006050.3, residues 556-576): QPLILTFRVP[Pro566=]GDSPLPVQLR

ClinVar aggregate classification (germline): Likely benign. Review status: criteria provided, multiple submitters, no conflicts (2 of 4 stars). 2 submissions from 2 submitters: Likely benign (2). Last evaluated 2025-12-26.

Allele frequency attached by ClinVar (database versions not stated): ESP Exome Variant Server 0.00008; gnomAD 0.00009 and 0.00016; TOPMed 0.00009; gnomAD exomes 0.00018 and 0.00020; ExAC 0.00023; 1000 Genomes Project 0.00060; 1000 Genomes Project 30x 0.00109.
gnomAD v4.1: 291 of 1,614,058 alleles (0.018%); highest among the groups gnomAD compares: South Asian, 0.14%; no homozygotes.

Submissions (2):

Labcorp Genetics (formerly Invitae), Labcorp
Classification: Likely benign. Last evaluated: 2025-12-26. Review status: criteria provided, single submitter. Criteria: Invitae Variant Classification Sherloc (09022015). Collection method: clinical testing. Allele origin: germline.

CeGaT Center for Human Genetics Tuebingen
Classification: Likely benign. Last evaluated: 2024-02-01. Review status: criteria provided, single submitter. Criteria: CeGaT Center For Human Genetics Tuebingen Variant Classification Criteria Version 2. Collection method: clinical testing. Allele origin: germline. Affected: yes. Observed: 1 variant allele.
Comment: LAMC3: BP4, BP7